The following is an entry in ClinVar:

NM_182914.3(SYNE2):c.5575A>G (p.Lys1859Glu)

Gene: SYNE2 (spectrin repeat containing nuclear envelope protein 2; plus strand). Cytogenetic location: 14q23.2.
Variant type: single nucleotide variant.
Coding change: c.5575A>G on transcript NM_182914.3 (MANE Select); coding-DNA position 5575, A replaced by G.
Protein change: p.Lys1859Glu; replaces lysine 1859 with glutamic acid.
Molecular consequence: missense variant.
Genome position (GRCh38, 1-based): chr14:64,022,801, A>G. VCF-style: chr14-64022801-A-G. GRCh37 (hg19) VCF-style: chr14-64489519-A-G.
Other names: c.5575A>G, p.Lys1859Glu (NM_015180.6); short protein forms K1859E.
Identifiers: ClinVar variation 197053 (VCV000197053.19), dbSNP rs201327410, ClinGen allele CA244963.

ClinVar aggregate classification (germline): Conflicting classifications of pathogenicity. Review status: criteria provided, conflicting classifications (1 of 4 stars). 5 submissions from 5 submitters: Uncertain significance (4); Likely benign (1). Last evaluated 2025-08-18.

Conditions:
Emery-Dreifuss muscular dystrophy 5, autosomal dominant (EDMD5). Also called: EMERY-DREIFUSS MUSCULAR DYSTROPHY 5. Identifiers: Orphanet 261, MedGen C2751805, MONDO:0013072, OMIM 612999.

Allele frequency attached by ClinVar (database versions not stated): ExAC 0.00004; gnomAD 0.00004; gnomAD exomes 0.00005 and 0.00008; ESP Exome Variant Server 0.00008; TOPMed 0.00009.
gnomAD v4.1: 115 of 1,612,236 alleles (0.0071%); highest among the groups gnomAD compares: Non-Finnish European, 0.0095%; no homozygotes.

Submissions (5):

Labcorp Genetics (formerly Invitae), Labcorp
Classification: Uncertain significance for Emery-Dreifuss muscular dystrophy 5, autosomal dominant. Last evaluated: 2025-08-18. Review status: criteria provided, single submitter. Criteria: Invitae Variant Classification Sherloc (09022015). Collection method: clinical testing. Allele origin: germline.
Comment: This sequence change replaces lysine, which is basic and polar, with glutamic acid, which is acidic and polar, at codon 1859 of the SYNE2 protein (p.Lys1859Glu). This variant is present in population databases (rs201327410, gnomAD 0.008%). This variant has not been reported in the literature in individuals affected with SYNE2-related conditions. ClinVar contains an entry for this variant (Variation ID: 197053). An algorithm developed to predict the effect of missense changes on protein structure and function outputs the following: PolyPhen-2: "Benign". The glutamic acid amino acid residue is found in multiple mammalian species, which suggests that this missense change does not adversely affect protein function. In summary, the available evidence is currently insufficient to determine the role of this variant in disease. Therefore, it has been classified as a Variant of Uncertain Significance.

Athena Diagnostics
Classification: Uncertain significance. Last evaluated: 2025-06-02. Review status: criteria provided, single submitter. Criteria: Athena Diagnostics Criteria. Collection method: clinical testing. Allele origin: unknown.
Comment: Available data are insufficient to determine the clinical significance of the variant at this time. The frequency of this variant in the general population is uninformative in assessment of its pathogenicity. Polyphen and MutationTaster predict this amino acid change may be benign.

Revvity Omics, Revvity
Classification: Likely benign for Emery-Dreifuss muscular dystrophy 5, autosomal dominant. Last evaluated: 2023-05-18. Review status: criteria provided, single submitter. Criteria: ACMG Guidelines, 2015. Collection method: clinical testing. Allele origin: germline.

Ambry Genetics
Classification: Uncertain significance. Last evaluated: 2021-10-14. Review status: criteria provided, single submitter. Criteria: Ambry Variant Classification Scheme 2023. Collection method: clinical testing. Allele origin: germline.

Eurofins Ntd Llc (ga)
Classification: Uncertain significance. Last evaluated: 2015-01-22. Review status: criteria provided, single submitter. Criteria: EGL Classification Definitions 2015. Collection method: clinical testing. Allele origin: germline. Observed: 1 variant allele, 1 heterozygote.

Literature cited by the submitters: PubMed 29590070 (cited by Athena Diagnostics).